The following is an entry in ClinVar:

NM_000179.3(MSH6):c.3602T>G (p.Leu1201Arg)

Gene: MSH6 (mutS homolog 6; plus strand). Cytogenetic location: 2p16.3.
Variant type: single nucleotide variant.
Coding change: c.3602T>G on transcript NM_000179.3 (MANE Select); coding-DNA position 3602, T replaced by G.
Protein change: p.Leu1201Arg; replaces leucine 1201 with arginine.
Molecular consequence: missense variant.
Genome position (GRCh38, 1-based): chr2:47,805,663, T>G. VCF-style: chr2-47805663-T-G. GRCh37 (hg19) VCF-style: chr2-48032802-T-G.
Other names: c.3212T>G, p.Leu1071Arg (NM_001281492.2); c.2696T>G, p.Leu899Arg (NM_001281493.2, NM_001281494.2, NM_001406811.1 and 6 more transcripts); c.3698T>G, p.Leu1233Arg (NM_001406795.1, NM_001406802.1); c.3602T>G, p.Leu1201Arg (NM_001406796.1, NM_001406800.1, NM_001406808.1 and 1 more transcripts); c.3305T>G, p.Leu1102Arg (NM_001406797.1, NM_001406801.1, NM_001406805.1 and 10 more transcripts); c.3428T>G, p.Leu1143Arg (NM_001406798.1); c.3077T>G, p.Leu1026Arg (NM_001406799.1, NM_001406806.1, NM_001406807.1); c.2738T>G, p.Leu913Arg (NM_001406803.1); and 7 more; short protein forms L1233R, L150R, L516R, L899R, L1026R, L1102R, L1203R, L679R.
Identifiers: ClinVar variation 1733115 (VCV001733115.6), dbSNP rs2530823755, ClinGen allele CA346760556.

ClinVar aggregate classification (germline): Conflicting classifications of pathogenicity. Review status: criteria provided, conflicting classifications (1 of 4 stars). 3 submissions from 3 submitters: Likely pathogenic (1); Uncertain significance (2). Last evaluated 2024-07-02.

Conditions:
Hereditary cancer-predisposing syndrome. Also called: Neoplastic Syndromes, Hereditary; Tumor predisposition; Hereditary Cancer Syndrome; Hereditary neoplastic syndrome. Identifiers: Orphanet 140162, MedGen C0027672, MeSH D009386, MONDO:0015356.
Hereditary nonpolyposis colorectal neoplasms. Identifiers: MedGen C0009405, MeSH D003123.

Submissions (3):

GeneDx
Classification: Uncertain significance. Last evaluated: 2024-07-02. Review status: criteria provided, single submitter. Criteria: GeneDx Variant Classification Process June 2021. Collection method: clinical testing. Allele origin: germline. Affected: yes.
Comment: Not observed at significant frequency in large population cohorts (gnomAD); In silico analysis supports that this missense variant has a deleterious effect on protein structure/function; Has not been previously published as pathogenic or benign to our knowledge; This variant is associated with the following publications: (PMID: 17531815, 21120944)

Ambry Genetics
Classification: Uncertain significance for Hereditary cancer-predisposing syndrome. Last evaluated: 2023-11-14. Review status: criteria provided, single submitter. Criteria: Ambry Variant Classification Scheme 2023. Collection method: clinical testing. Allele origin: germline.
Comment: The p.L1201R variant (also known as c.3602T>G), located in coding exon 7 of the MSH6 gene, results from a T to G substitution at nucleotide position 3602. The leucine at codon 1201 is replaced by arginine, an amino acid with dissimilar properties. This amino acid position is highly conserved in available vertebrate species. In addition, this alteration is predicted to be deleterious by in silico analysis. Since supporting evidence is limited at this time, the clinical significance of this alteration remains unclear.

Labcorp Genetics (formerly Invitae), Labcorp
Classification: Likely pathogenic for Hereditary nonpolyposis colorectal neoplasms. Last evaluated: 2023-09-27. Review status: criteria provided, single submitter. Criteria: Invitae Variant Classification Sherloc (09022015). Collection method: clinical testing. Allele origin: germline.
Comment: This sequence change replaces leucine, which is neutral and non-polar, with arginine, which is basic and polar, at codon 1201 of the MSH6 protein (p.Leu1201Arg). This variant is not present in population databases (gnomAD no frequency). This variant has not been reported in the literature in individuals affected with MSH6-related conditions. ClinVar contains an entry for this variant (Variation ID: 1733115). Advanced modeling of protein sequence and biophysical properties (such as structural, functional, and spatial information, amino acid conservation, physicochemical variation, residue mobility, and thermodynamic stability) performed at Invitae indicates that this missense variant is expected to disrupt MSH6 protein function. This variant disrupts the p.Leu1201 amino acid residue in MSH6. Other variant(s) that disrupt this residue have been determined to be pathogenic (PMID: 29875428; Invitae). This suggests that this residue is clinically significant, and that variants that disrupt this residue are likely to be disease-causing. In summary, the currently available evidence indicates that the variant is pathogenic, but additional data are needed to prove that conclusively. Therefore, this variant has been classified as Likely Pathogenic.

Literature cited by the submitters: PubMed 29875428 (cited by Labcorp Genetics (formerly Invitae), Labcorp).